The following is an entry in ClinVar:

NM_000426.4(LAMA2):c.6461G>A (p.Cys2154Tyr)

Gene: LAMA2 (laminin subunit alpha 2; plus strand). Cytogenetic location: 6q22.33.
Variant type: single nucleotide variant.
Coding change: c.6461G>A on transcript NM_000426.4 (MANE Select); coding-DNA position 6461, G replaced by A.
Protein change: p.Cys2154Tyr; replaces cysteine 2154 with tyrosine.
Molecular consequence: missense variant.
Genome position (GRCh38, 1-based): chr6:129,453,019, G>A. VCF-style: chr6-129453019-G-A. GRCh37 (hg19) VCF-style: chr6-129774164-G-A.
Other names: c.6461G>A, p.Cys2154Tyr (NM_001079823.2); short protein forms C2154Y.
Identifiers: ClinVar variation 1968162 (VCV001968162.4), dbSNP rs1782762369, ClinGen allele CA365616436.
Genomic context (GRCh38, chr6:129,453,019, plus strand): 5'-TGGTTCTTTGTATCTTGTTTTTTTTAAAGATCAAAGTATCTGTGTCTTCAGGAGGTGACT[G>A]CATTCGAACATACAAACCAGAAATCAAGAAAGGAAGTTACAATAATATTGTTGTCAACGT-3'
Protein context (NP_000417.3, residues 2144-2164): IKVSVSSGGD[Cys2154Tyr]IRTYKPEIKK

ClinVar aggregate classification (germline): Uncertain significance (1 of 4 stars; one submission).

Conditions:
LAMA2-related muscular dystrophy (LAMA2-RD). Also called: Laminin alpha 2-related dystrophy. Identifiers: MedGen C5679788, MONDO:0100228.

Allele frequency attached by ClinVar (database versions not stated): gnomAD exomes below 0.00001; TOPMed below 0.00001.
gnomAD v4.1: 2 of 1,612,520 alleles (0.00012%); highest among the groups gnomAD compares: Non-Finnish European, 0.00017%; no homozygotes.

Submission:

Labcorp Genetics (formerly Invitae), Labcorp
Classification: Uncertain significance for LAMA2-related muscular dystrophy. Last evaluated: 2024-02-17. Review status: criteria provided, single submitter. Criteria: Invitae Variant Classification Sherloc (09022015). Collection method: clinical testing. Allele origin: germline.
Comment: This sequence change replaces cysteine, which is neutral and slightly polar, with tyrosine, which is neutral and polar, at codon 2154 of the LAMA2 protein (p.Cys2154Tyr). This variant is not present in population databases (gnomAD no frequency). This variant has not been reported in the literature in individuals affected with LAMA2-related conditions. ClinVar contains an entry for this variant (Variation ID: 1968162). Advanced modeling of protein sequence and biophysical properties (such as structural, functional, and spatial information, amino acid conservation, physicochemical variation, residue mobility, and thermodynamic stability) performed at Invitae indicates that this missense variant is not expected to disrupt LAMA2 protein function with a negative predictive value of 95%. In summary, the available evidence is currently insufficient to determine the role of this variant in disease. Therefore, it has been classified as a Variant of Uncertain Significance.